The following is an entry in ClinVar:

NM_006269.2(RP1):c.305A>T (p.Glu102Val)

Gene: RP1 (RP1 axonemal microtubule associated; plus strand). Cytogenetic location: 8q12.1.
Variant type: single nucleotide variant.
Coding change: c.305A>T on transcript NM_006269.2 (MANE Select); coding-DNA position 305, A replaced by T.
Protein change: p.Glu102Val; replaces glutamic acid 102 with valine.
Molecular consequence: missense variant.
Genome position (GRCh38, 1-based): chr8:54,621,271, A>T. VCF-style: chr8-54621271-A-T. GRCh37 (hg19) VCF-style: chr8-55533831-A-T.
Other names: c.305A>T, p.Glu102Val (NM_001375654.1); short protein forms E102V.
Identifiers: ClinVar variation 2790343 (VCV002790343.3), dbSNP rs1355889696, ClinGen allele CA370986233.
Genomic context (GRCh38, chr8:54,621,271, plus strand): 5'-ACATCAGCACCCCTCGGGGCAGGCACAGCATCACGCGCCTGGAGGAGCTGGAGGACGGCG[A>T]GTCCTACCTATGTTCCCACGGCAGGAAGGTGCAGCCTGTAGACCTGGACAAAGCCCGTCG-3'
Protein context (NP_006260.1, residues 92-112): ITRLEELEDG[Glu102Val]SYLCSHGRKV

ClinVar aggregate classification (germline): Uncertain significance (1 of 4 stars; one submission).

Submission:

Labcorp Genetics (formerly Invitae), Labcorp
Classification: Uncertain significance. Last evaluated: 2023-05-16. Review status: criteria provided, single submitter. Criteria: Invitae Variant Classification Sherloc (09022015). Collection method: clinical testing. Allele origin: germline.
Comment: This variant is not present in population databases (gnomAD no frequency). This sequence change replaces glutamic acid, which is acidic and polar, with valine, which is neutral and non-polar, at codon 102 of the RP1 protein (p.Glu102Val). In summary, the available evidence is currently insufficient to determine the role of this variant in disease. Therefore, it has been classified as a Variant of Uncertain Significance. An algorithm developed to predict the effect of missense changes on protein structure and function (PolyPhen-2) suggests that this variant is likely to be disruptive. This variant has not been reported in the literature in individuals affected with RP1-related conditions.